The following is an entry in ClinVar:

NM_004364.5(CEBPA):c.646A>G (p.Thr216Ala)

Gene: CEBPA (CCAAT enhancer binding protein alpha; minus strand). Cytogenetic location: 19q13.11.
Variant type: single nucleotide variant.
Coding change: c.646A>G on transcript NM_004364.5 (MANE Select); coding-DNA position 646, A replaced by G.
Protein change: p.Thr216Ala; replaces threonine 216 with alanine.
Molecular consequence: missense variant.
Genome position (GRCh38, 1-based): chr19:33,301,769, T>C on the plus strand (A>G on the coding strand, the complement: CEBPA is on the minus strand). VCF-style: chr19-33301769-T-C. GRCh37 (hg19) VCF-style: chr19-33792675-T-C.
Other names: c.289A>G, p.Thr97Ala (NM_001285829.2); c.751A>G, p.Thr251Ala (NM_001287424.2); c.604A>G, p.Thr202Ala (NM_001287435.2); c.646A>G (NM_004364.3); short protein forms T202A, T216A, T251A, T97A.
Identifiers: ClinVar variation 651028 (VCV000651028.13), dbSNP rs1600022240, ClinGen allele CA405274502.

ClinVar aggregate classification (germline): Conflicting classifications of pathogenicity. Review status: criteria provided, conflicting classifications (1 of 4 stars). 5 submissions from 5 submitters: Uncertain significance (4); Likely benign (1). Last evaluated 2025-11-05.

Conditions:
Inborn genetic diseases. Identifiers: MedGen C0950123, MeSH D030342.
Acute myeloid leukemia (AML). Also called: Acute myeloid leukemia, adult; AML adult; Acute non-lymphocytic leukemia; Acute granulocytic leukemia; Leukemia, acute myeloid, somatic; Leukemia, acute myelogenous, somatic. Identifiers: Orphanet 519, MedGen C0023467, MeSH D015470, MONDO:0018874, OMIM 601626, HP:0004808. Disease mechanism: Constitutively activated FLT3.

Allele frequency attached by ClinVar (database versions not stated): gnomAD exomes 0.00001.

Submissions (5):

Labcorp Genetics (formerly Invitae), Labcorp
Classification: Uncertain significance for Acute myeloid leukemia. Last evaluated: 2025-11-05. Review status: criteria provided, single submitter. Criteria: Invitae Variant Classification Sherloc (09022015). Collection method: clinical testing. Allele origin: germline.
Comment: This sequence change replaces threonine, which is neutral and polar, with alanine, which is neutral and non-polar, at codon 216 of the CEBPA protein (p.Thr216Ala). The frequency data for this variant in the population databases is considered unreliable, as metrics indicate insufficient coverage at this position in the gnomAD database. This variant has not been reported in the literature in individuals affected with CEBPA-related conditions. ClinVar contains an entry for this variant (Variation ID: 651028). Invitae Evidence Modeling of protein sequence and biophysical properties (such as structural, functional, and spatial information, amino acid conservation, physicochemical variation, residue mobility, and thermodynamic stability) indicates that this missense variant is not expected to disrupt CEBPA protein function with a negative predictive value of 80%. In summary, the available evidence is currently insufficient to determine the role of this variant in disease. Therefore, it has been classified as a Variant of Uncertain Significance.

Ambry Genetics
Classification: Likely benign for Inborn genetic diseases. Last evaluated: 2024-12-14. Review status: criteria provided, single submitter. Criteria: Ambry Variant Classification Scheme 2023. Collection method: clinical testing. Allele origin: germline.

St. Jude Molecular Pathology, St. Jude Children's Research Hospital
Classification: Uncertain significance for Acute myeloid leukemia. Last evaluated: 2023-11-16. Review status: criteria provided, single submitter. Criteria: St. Jude Assertion Criteria 2020. Collection method: clinical testing. Allele origin: germline.
Comment: The CEBPA c.646A>G (p.Thr216Ala) missense change is absent in gnomAD v2.1.1, however this data may be unreliable due to poor data quality at this location. The in silico tool REVEL predicts a benign effect on protein function, but to our knowledge this prediction has not been confirmed by functional studies. To our knowledge, this variant has not been reported in individuals with familial acute myeloid leukemia. In summary, the evidence currently available is insufficient to determine the clinical significance of this variant. It has therefore been classified as of uncertain significance.

Baylor Genetics
Classification: Uncertain significance for Acute myeloid leukemia. Last evaluated: 2023-08-21. Review status: criteria provided, single submitter. Criteria: ACMG Guidelines, 2015. Collection method: clinical testing. Allele origin: unknown.

Blueprint Genetics
Classification: Uncertain significance. Last evaluated: 2021-04-12. Review status: criteria provided, single submitter. Criteria: ACMG Guidelines, 2015. Collection method: clinical testing. Allele origin: germline.